The following is an entry in ClinVar:

NM_002439.5(MSH3):c.840T>A (p.Phe280Leu)

Gene: MSH3 (mutS homolog 3; plus strand). Cytogenetic location: 5q14.1.
Variant type: single nucleotide variant.
Coding change: c.840T>A on transcript NM_002439.5 (MANE Select); coding-DNA position 840, T replaced by A.
Protein change: p.Phe280Leu; replaces phenylalanine 280 with leucine.
Molecular consequence: missense variant.
Genome position (GRCh38, 1-based): chr5:80,672,291, T>A. VCF-style: chr5-80672291-T-A. GRCh37 (hg19) VCF-style: chr5-79968110-T-A.
Other names: short protein forms F280L.
Identifiers: ClinVar variation 5024804 (VCV005024804.1).

ClinVar aggregate classification (germline): Uncertain significance (1 of 4 stars; one submission).

Conditions:
Hereditary cancer-predisposing syndrome. Also called: Neoplastic Syndromes, Hereditary; Tumor predisposition; Hereditary neoplastic syndrome; Hereditary Cancer Syndrome. Identifiers: Orphanet 140162, MedGen C0027672, MeSH D009386, MONDO:0015356.

Submission:

Ambry Genetics
Classification: Uncertain significance for Hereditary cancer-predisposing syndrome. Last evaluated: 2026-07-13. Review status: criteria provided, single submitter. Criteria: Ambry Variant Classification Scheme 2023. Collection method: clinical testing. Allele origin: germline.
Comment: The p.F280L variant (also known as c.840T>A), located in coding exon 5 of the MSH3 gene, results from a T to A substitution at nucleotide position 840. The phenylalanine at codon 280 is replaced by leucine, an amino acid with highly similar properties. This amino acid position is conserved. In addition, this alteration is predicted to be deleterious by in silico analysis. Based on the available evidence, the clinical significance of this variant remains unclear.